The following is an entry in ClinVar:

NM_031935.3(HMCN1):c.1683A>C (p.Arg561Ser)

Gene: HMCN1 (hemicentin 1; plus strand). Cytogenetic location: 1q31.1.
Variant type: single nucleotide variant.
Coding change: c.1683A>C on transcript NM_031935.3 (MANE Select); coding-DNA position 1683, A replaced by C.
Protein change: p.Arg561Ser; replaces arginine 561 with serine.
Molecular consequence: missense variant.
Genome position (GRCh38, 1-based): chr1:185,933,679, A>C. VCF-style: chr1-185933679-A-C. GRCh37 (hg19) VCF-style: chr1-185902811-A-C.
Other names: short protein forms R561S.
Identifiers: ClinVar variation 1392709 (VCV001392709.6), dbSNP rs1278087925, ClinGen allele CA343867423.

ClinVar aggregate classification (germline): Uncertain significance (1 of 4 stars; one submission).

Allele frequency attached by ClinVar (database versions not stated): gnomAD exomes below 0.00001; gnomAD 0.00001; TOPMed 0.00001.
gnomAD v4.1: 3 of 1,613,968 alleles (0.00019%); highest among the groups gnomAD compares: African/African-American, 0.004%; no homozygotes.

Submission:

Labcorp Genetics (formerly Invitae), Labcorp
Classification: Uncertain significance. Last evaluated: 2022-03-18. Review status: criteria provided, single submitter. Criteria: Invitae Variant Classification Sherloc (09022015). Collection method: clinical testing. Allele origin: germline.
Comment: This sequence change replaces arginine, which is basic and polar, with serine, which is neutral and polar, at codon 561 of the HMCN1 protein (p.Arg561Ser). This variant is not present in population databases (gnomAD no frequency). This variant has not been reported in the literature in individuals affected with HMCN1-related conditions. Algorithms developed to predict the effect of missense changes on protein structure and function output the following: SIFT: "Deleterious"; PolyPhen-2: "Benign"; Align-GVGD: "Class C0". The serine amino acid residue is found in multiple mammalian species, which suggests that this missense change does not adversely affect protein function. In summary, the available evidence is currently insufficient to determine the role of this variant in disease. Therefore, it has been classified as a Variant of Uncertain Significance.